The following is an entry in ClinVar:

ClinVar aggregate classification (germline): Likely benign (0 of 4 stars; one submission).

Conditions:
SH2B1-related disorder. Also called: SH2B1-related condition.

gnomAD v4.1: 5 of 1,606,910 alleles (0.00031%); highest among the groups gnomAD compares: Admixed American, 0.0017%; no homozygotes.

Submission:

PreventionGenetics, part of Exact Sciences
Classification: Likely benign for SH2B1-related condition. Last evaluated: 2021-07-05. Review status: no assertion criteria provided. Collection method: clinical testing. Allele origin: germline.
Comment: This variant is classified as likely benign based on ACMG/AMP sequence variant interpretation guidelines (Richards et al. 2015 PMID: 25741868, with internal and published modifications).

NM_001387430.1(SH2B1):c.1726-8G>A

Gene: SH2B1 (SH2B adaptor protein 1; plus strand). Cytogenetic location: 16p11.2.
Variant type: single nucleotide variant.
Coding change: c.1726-8G>A on transcript NM_001387430.1 (MANE Select); 8 bases into the intron before coding-DNA position 1726, G replaced by A.
Molecular consequence: intron variant.
Genome position (GRCh38, 1-based): chr16:28,872,526, G>A. VCF-style: chr16-28872526-G-A. GRCh37 (hg19) VCF-style: chr16-28883847-G-A.
Other names: c.1726-8G>A (NM_001308293.2, NM_001387404.1, NM_015503.3 and 4 more transcripts); c.718-8G>A (NM_001308294.2).
Identifiers: ClinVar variation 3356947 (VCV003356947.1).
Genomic context (GRCh38, chr16:28,872,526, plus strand): 5'-CCGGGGGAGGGGGTTTGTACCTGGCAGGGCCTTTGCCTCCTACCTCACCTCCCCCATCCC[G>A]CCCTCAGCACCTGCGTTTGTCGCTGAACGAGGAGGGTCAGTGCCGGGTCCAGCACCTGTG-3'